The following is an entry in ClinVar:

ClinVar aggregate classification (germline): Uncertain significance. Review status: criteria provided, multiple submitters, no conflicts (2 of 4 stars). 3 submissions from 3 submitters: Uncertain significance (3). Last evaluated 2025-08-03.

Conditions:
Autosomal dominant hypocalcemia 1 (HYPOC1). Also called: HYPOCALCEMIA, FAMILIAL. Identifiers: MedGen C3715128, MONDO:0011013, OMIM 601198.
Familial hypocalciuric hypercalcemia (FHH). Also called: Familial benign hypercalcemia. Identifiers: Orphanet 405, MedGen C1809471, MONDO:0018458.

Submissions (3):

Labcorp Genetics (formerly Invitae), Labcorp
Classification: Uncertain significance for Familial hypocalciuric hypercalcemia; Autosomal dominant hypocalcemia 1. Last evaluated: 2025-08-03. Review status: criteria provided, single submitter. Criteria: Invitae Variant Classification Sherloc (09022015). Collection method: clinical testing. Allele origin: germline.
Comment: This sequence change replaces histidine, which is basic and polar, with glutamine, which is neutral and polar, at codon 879 of the CASR protein (p.His879Gln). This variant is not present in population databases (gnomAD no frequency). This variant has not been reported in the literature in individuals affected with CASR-related conditions. ClinVar contains an entry for this variant (Variation ID: 1307350). An algorithm developed to predict the effect of missense changes on protein structure and function (PolyPhen-2) suggests that this variant is likely to be disruptive. In summary, the available evidence is currently insufficient to determine the role of this variant in disease. Therefore, it has been classified as a Variant of Uncertain Significance.

Blueprint Genetics
Classification: Uncertain significance. Last evaluated: 2023-07-10. Review status: criteria provided, single submitter. Criteria: ACMG Guidelines, 2015. Collection method: clinical testing. Allele origin: germline.

GeneDx
Classification: Uncertain significance. Last evaluated: 2019-07-23. Review status: criteria provided, single submitter. Criteria: GeneDx Variant Classification Process June 2021. Collection method: clinical testing. Allele origin: germline. Affected: yes.
Comment: Not observed in large population cohorts (Lek et al., 2016); In silico analysis, which includes protein predictors and evolutionary conservation, supports that this variant does not alter protein structure/function; Has not been previously published as pathogenic or benign to our knowledge

NM_000388.4(CASR):c.2637C>A (p.His879Gln)

Gene: CASR (calcium sensing receptor; plus strand). Cytogenetic location: 3q21.1.
Variant type: single nucleotide variant.
Coding change: c.2637C>A on transcript NM_000388.4 (MANE Select); coding-DNA position 2637, C replaced by A.
Protein change: p.His879Gln; replaces histidine 879 with glutamine.
Molecular consequence: missense variant.
Genome position (GRCh38, 1-based): chr3:122,284,591, C>A. VCF-style: chr3-122284591-C-A. GRCh37 (hg19) VCF-style: chr3-122003438-C-A.
Other names: c.2667C>A, p.His889Gln (NM_001178065.2); short protein forms H879Q, H889Q.
Identifiers: ClinVar variation 1307350 (VCV001307350.6), dbSNP rs1576878230, ClinGen allele CA354160462.